The following is an entry in ClinVar:

NM_000095.3(COMP):c.1675G>A (p.Glu559Lys)

Gene: COMP (cartilage oligomeric matrix protein; minus strand). Cytogenetic location: 19p13.11.
Variant type: single nucleotide variant.
Coding change: c.1675G>A on transcript NM_000095.3 (MANE Select); coding-DNA position 1675, G replaced by A.
Protein change: p.Glu559Lys; replaces glutamic acid 559 with lysine.
Molecular consequence: missense variant.
Genome position (GRCh38, 1-based): chr19:18,785,540, C>T on the plus strand (G>A on the coding strand, the complement: COMP is on the minus strand). VCF-style: chr19-18785540-C-T. GRCh37 (hg19) VCF-style: chr19-18896350-C-T.
Other names: short protein forms E559K.
Identifiers: ClinVar variation 618040 (VCV000618040.10), dbSNP rs1568554484, ClinGen allele CA404880117.
Genomic context (GRCh38, chr19:18,785,540, plus strand): 5'-CTGCTCCCCGCTTCTCACCCACAGCCAGGCCTGGGTCGCTGTTCATTGTCTGCACGATCT[C>T]CCTTCCCTGATGGGGTCAAAGAAAGGAGGGCCTCAGGCTGGCCGTGACAGCCCTAGGCAC-3'
Protein context (NP_000086.2, residues 549-569): PNWVVLNQGR[Glu559Lys]IVQTMNSDPG

ClinVar aggregate classification (germline): Likely pathogenic. Review status: criteria provided, multiple submitters, no conflicts (2 of 4 stars). 2 submissions from 2 submitters: Likely pathogenic (2). Last evaluated 2020-10-26.

Submissions (2):

GeneDx
Classification: Likely pathogenic. Last evaluated: 2020-10-26. Review status: criteria provided, single submitter. Criteria: GeneDx Variant Classification Process June 2021. Collection method: clinical testing. Allele origin: germline. Affected: yes.
Comment: Not observed in large population cohorts (Lek et al., 2016); Published functional studies suggest E559K results in irregular protein accumulation inside the cell membrane (Gu et al., 2017); In silico analysis supports that this missense variant has a deleterious effect on protein structure/function; This variant is associated with the following publications: (PMID: 29104872)

ARUP Laboratories, Molecular Genetics and Genomics, ARUP Laboratories
Classification: Likely pathogenic. Last evaluated: 2018-02-16. Review status: criteria provided, single submitter. Criteria: ARUP Molecular Germline Variant Investigation Process. Collection method: clinical testing. Allele origin: germline.
Comment: The COMP c.1675G>A; p.Glu559Lys was reported in three affected members of a family with pseudoachondroplasia, as well as a presymptomatic child; and was absent from several unaffected members of the same family and unrelated controls (Gu 2017). The presence of this variant in adults correlated with significantly increased levels of plasma COMP protein (Gu 2017), which has been proposed to be a predictive biomarker for this disease (Tufan 2007). This variant is absent from the general population databases (1000 Genomes Project, Exome Variant Server, Genome Aggregation Database) and from gene-specific variation databases. Based on the available information, the p.Glu559Lys variant is likely to be pathogenic.